The following is an entry in ClinVar:

NM_138691.3(TMC1):c.2002A>G (p.Ser668Gly)

Gene: TMC1 (transmembrane channel like 1; plus strand). Cytogenetic location: 9q21.13.
Variant type: single nucleotide variant.
Coding change: c.2002A>G on transcript NM_138691.3 (MANE Select); coding-DNA position 2002, A replaced by G.
Protein change: p.Ser668Gly; replaces serine 668 with glycine.
Molecular consequence: missense variant.
Genome position (GRCh38, 1-based): chr9:72,821,080, A>G. VCF-style: chr9-72821080-A-G. GRCh37 (hg19) VCF-style: chr9-75435996-A-G.
Other names: short protein forms S668G.
Identifiers: ClinVar variation 1027641 (VCV001027641.3), dbSNP rs1828864557, ClinGen allele CA373670668.

ClinVar aggregate classification (germline): Pathogenic. Review status: criteria provided, single submitter (1 of 4 stars). 2 submissions from 2 submitters: Pathogenic (1). 1 of the submissions does not count toward it. Last evaluated 2026-09-16.

Conditions:
Autosomal recessive nonsyndromic hearing loss 7. Also called: DEAFNESS, AUTOSOMAL RECESSIVE 11. Identifiers: Orphanet 90636, MedGen C1832978, MONDO:0010967, OMIM 600974.

Allele frequency attached by ClinVar (database versions not stated): gnomAD exomes below 0.00001.
gnomAD v4.1: 2 of 1,614,094 alleles (0.00012%); highest among the groups gnomAD compares: Non-Finnish European, 0.00017%; no homozygotes.

Submissions (2):

Institute of Rare Diseases, West China Hospital, Sichuan University
Classification: Pathogenic for Autosomal recessive nonsyndromic hearing loss 7. Last evaluated: 2026-09-16. Review status: criteria provided, single submitter. Criteria: ClinGen HL ACMG Specifications v1. Collection method: research. Allele origin: germline. Affected: yes.
Comment: This variant affects splicing confirmed by in‑vitro minigene assay (PS3). One homozygous patient was submitted to ClinVar(PM3). Pathogenic variant affecting the identical amino‑acid residue has been previously reported (PM5). It is extremely rare in general‑population databases (PM2_Supporting). In‑silico prediction supports splicing disruption (PP3). ACMG classification: pathogenic(PS3,PM3;PM2_Supporting,PM5,PP3).

Precision Medicine Center, Zhengzhou University
Classification: Likely pathogenic for Autosomal recessive nonsyndromic hearing loss 7. Review status: no assertion criteria provided. Collection method: clinical testing. Allele origin: germline. Inheritance: Autosomal recessive inheritance. Affected: yes. Observed: 1 variant allele, 1 homozygote. Not counted in ClinVar's aggregate classification.
Comment: The variant is absent in the ExAC and gnomAD database (ACMG PM2). In vitro functional tests showed that c.2002A>G affected splicing (ACMG PS3_moderate). As described above, the TMC1 c.2002A>G and c.2004T>G variants are two variants at the same amino acid, and the c.2004T>G variant was rated as likely pathogenic (ACMG PM5). Therefore, according to the ACMG genetic variation classification criteria and guidelines, the TMC1 c.2002A>G variant was rated as likely pathogenic